The following is an entry in ClinVar:

ClinVar aggregate classification (germline): Pathogenic/Likely pathogenic. Review status: criteria provided, multiple submitters, no conflicts (2 of 4 stars). 6 submissions from 6 submitters: Pathogenic (1); Likely pathogenic (4). 1 of the submissions does not count toward it. Last evaluated 2026-01-19.

Conditions:
Glutaric aciduria, type 1. Also called: Glutaryl-CoA dehydrogenase deficiency; Glutaricaciduria, type I; GA I; Glutaric Acidemia Type 1; Glutaric acidemia type I; Glutaricacidemia Type 1. Identifiers: Orphanet 25, MedGen C0268595, MONDO:0009281, OMIM 231670.

Allele frequency attached by ClinVar (database versions not stated): gnomAD 0.00002; gnomAD exomes 0.00002.
gnomAD v4.1: 9 of 1,614,018 alleles (0.00056%); highest among the groups gnomAD compares: African/African-American, 0.0027%; no homozygotes.

Submissions (6):

Labcorp Genetics (formerly Invitae), Labcorp
Classification: Pathogenic for Glutaric aciduria, type 1. Last evaluated: 2026-01-19. Review status: criteria provided, single submitter. Criteria: Invitae Variant Classification Sherloc (09022015). Collection method: clinical testing. Allele origin: germline.
Comment: This sequence change replaces alanine, which is neutral and non-polar, with valine, which is neutral and non-polar, at codon 433 of the GCDH protein (p.Ala433Val). This variant is present in population databases (no rsID available, gnomAD 0.003%). This missense change has been observed in individual(s) with glutaric acidemia type I (PMID: 10960496, 21176883, 29201125, 31952437). ClinVar contains an entry for this variant (Variation ID: 556228). Invitae Evidence Modeling of protein sequence and biophysical properties (such as structural, functional, and spatial information, amino acid conservation, physicochemical variation, residue mobility, and thermodynamic stability) indicates that this missense variant is expected to disrupt GCDH protein function with a positive predictive value of 95%. Experimental studies have shown that this missense change affects GCDH function (PMID: 12948740). This variant disrupts the p.Ala433 amino acid residue in GCDH. Other variant(s) that disrupt this residue have been determined to be pathogenic (PMID: 9600243). This suggests that this residue is clinically significant, and that variants that disrupt this residue are likely to be disease-causing. For these reasons, this variant has been classified as Pathogenic.

Natera, Inc.
Classification: Likely pathogenic for Glutaric acidemia type 1. Last evaluated: 2025-10-21. Review status: criteria provided, single submitter. Criteria: Natera Variant Classification Schema (03/2026). Collection method: clinical testing. Allele origin: germline.
Comment: The c.1298C>T variant in GCDH is a missense variant predicted to cause substitution of alanine to valine at amino acid 433. This variant is rare in the general population with a frequency below the threshold expected for the associated phenotype(s). This variant has been observed in one or more individuals affected with the associated recessive disease, as either homozygous or compound heterozygous with a second variant (PMID: 34504725, 31952437, 21176883, 33064266). Computational prediction algorithms indicate this variant is likely to affect gene or protein function. Given the available evidence, this variant is classified as Likely Pathogenic.

Baylor Genetics
Classification: Likely pathogenic for Glutaric aciduria, type 1. Last evaluated: 2024-02-27. Review status: criteria provided, single submitter. Criteria: ACMG Guidelines, 2015. Collection method: clinical testing. Allele origin: unknown.

Fulgent Genetics
Classification: Likely pathogenic for Glutaric aciduria, type 1. Last evaluated: 2024-02-10. Review status: criteria provided, single submitter. Criteria: ACMG Guidelines, 2015. Collection method: clinical testing. Allele origin: germline.

Mendelics
Classification: Likely pathogenic for Glutaric aciduria, type 1. Last evaluated: 2022-05-04. Review status: criteria provided, single submitter. Criteria: Mendelics Assertion Criteria 2019. Collection method: clinical testing. Allele origin: germline.

Counsyl
Classification: Uncertain significance for Glutaric aciduria, type 1. Last evaluated: 2018-01-19. Review status: no assertion criteria provided. Collection method: clinical testing. Allele origin: unknown. Not counted in ClinVar's aggregate classification.

Literature cited by the submitters: PubMed 10960496 (cited by Labcorp Genetics (formerly Invitae), Labcorp and Counsyl); PubMed 21176883 (cited by 3 submitters); PubMed 29201125 (cited by Labcorp Genetics (formerly Invitae), Labcorp); PubMed 31952437 (cited by Labcorp Genetics (formerly Invitae), Labcorp and Natera, Inc.); PubMed 12948740 (cited by Labcorp Genetics (formerly Invitae), Labcorp and Counsyl); PubMed 9600243 (cited by Labcorp Genetics (formerly Invitae), Labcorp); PubMed 34504725 (cited by Natera, Inc.); PubMed 33064266 (cited by Natera, Inc.).

NM_000159.4(GCDH):c.1298C>T (p.Ala433Val)

Genes: SYCE2 (synaptonemal complex central element protein 2; minus strand), GCDH (glutaryl-CoA dehydrogenase; plus strand), LOC126862860 (BRD4-independent group 4 enhancer GRCh37_chr19:13010146-13011345; plus strand). Cytogenetic location: 19p13.13.
Variant type: single nucleotide variant.
Coding change: c.1298C>T on transcript NM_000159.4 (MANE Select); coding-DNA position 1298, C replaced by T.
Protein change: p.Ala433Val; replaces alanine 433 with valine.
Molecular consequence: missense variant. On other transcripts: non-coding transcript variant (2), intron variant (2).
Genome position (GRCh38, 1-based): chr19:12,899,522, C>T. VCF-style: chr19-12899522-C-T. GRCh37 (hg19) VCF-style: chr19-13010336-C-T.
Other names: c.1244-178C>T (NM_013976.5); c.613-137G>A (NM_001105578.2); c.1298C>T (NM_000159.3); short protein forms A433V.
Identifiers: ClinVar variation 556228 (VCV000556228.15), dbSNP rs933624223, ClinGen allele CA305500987.